The following is an entry in ClinVar:

ClinVar aggregate classification (germline): Uncertain significance (1 of 4 stars; one submission).

Conditions:
Arrhythmogenic right ventricular dysplasia 5. Also called: Arrhythmogenic Right Ventricular Dysplasia/Cardiomyopathy 5; ARRHYTHMOGENIC RIGHT VENTRICULAR DYSPLASIA, FAMILIAL, 5. Identifiers: MedGen C1858379, MONDO:0011459, OMIM 604400.

Submission:

All of Us Research Program, National Institutes of Health
Classification: Uncertain significance for Arrhythmogenic right ventricular dysplasia 5. Last evaluated: 2024-07-29. Review status: criteria provided, single submitter. Criteria: ACMG Guidelines, 2015. Collection method: clinical testing. Allele origin: germline. Inheritance: Autosomal dominant inheritance. Observed: 1 variant allele, 1 heterozygote.
Comment: This missense variant replaces histidine with glutamine at codon 167 of the TMEM43 protein. Computational prediction suggests that this variant may not impact protein structure and function (internally defined REVEL score threshold <= 0.5, PMID: 27666373). To our knowledge, functional studies have not been reported for this variant. This variant has not been reported in individuals affected with TMEM43-related disorders in the literature. This variant has not been identified in the general population by the Genome Aggregation Database (gnomAD). The available evidence is insufficient to determine the role of this variant in disease conclusively. Therefore, this variant is classified as a Variant of Uncertain Significance.

This study involves interpretation of variants in research participants for the purpose of population health screening. Participant phenotype was not available at the time of variant classification. Additional details can be found in publication PMID: 35346344, PMCID: PMC8962531

NM_024334.3(TMEM43):c.501C>G (p.His167Gln)

Gene: TMEM43 (transmembrane protein 43; plus strand). Cytogenetic location: 3p25.1.
Variant type: single nucleotide variant.
Coding change: c.501C>G on transcript NM_024334.3 (MANE Select); coding-DNA position 501, C replaced by G.
Protein change: p.His167Gln; replaces histidine 167 with glutamine.
Molecular consequence: missense variant.
Genome position (GRCh38, 1-based): chr3:14,132,924, C>G. VCF-style: chr3-14132924-C-G. GRCh37 (hg19) VCF-style: chr3-14174424-C-G.
Other names: c.504C>G, p.His168Gln (NM_001407274.1); c.501C>G, p.His167Gln (NM_001407275.1, NM_001407276.1, NM_001407277.1 and 1 more transcripts); c.486C>G, p.His162Gln (NM_001407278.1); c.351C>G, p.His117Gln (NM_001407280.1); short protein forms H117Q, H162Q, H167Q, H168Q.
Identifiers: ClinVar variation 3386081 (VCV003386081.1).